The following is an entry in ClinVar:

ClinVar aggregate classification (germline): Uncertain significance (0 of 4 stars; one submission).

Conditions:
KCNH1-related disorder. Also called: KCNH1-related disorders; KCNH1-related condition.

Allele frequency attached by ClinVar (database versions not stated): ExAC 0.00001.
gnomAD v4.1: 1 of 1,606,690 alleles (0.000062%); no homozygotes.

Submission:

PreventionGenetics, part of Exact Sciences
Classification: Uncertain significance for KCNH1-related condition. Last evaluated: 2024-01-17. Review status: no assertion criteria provided. Collection method: clinical testing. Allele origin: germline.
Comment: The KCNH1 c.212A>G variant is predicted to result in the amino acid substitution p.Tyr71Cys. To our knowledge, this variant has not been reported in the literature. This variant is reported in 0.0055% of alleles in individuals of East Asian descent in gnomAD. At this time, the clinical significance of this variant is uncertain due to the absence of conclusive functional and genetic evidence.

NM_172362.3(KCNH1):c.212A>G (p.Tyr71Cys)

Gene: KCNH1 (potassium voltage-gated channel subfamily H member 1; minus strand). Cytogenetic location: 1q32.2.
Variant type: single nucleotide variant.
Coding change: c.212A>G on transcript NM_172362.3 (MANE Select); coding-DNA position 212, A replaced by G.
Protein change: p.Tyr71Cys; replaces tyrosine 71 with cysteine.
Molecular consequence: missense variant.
Genome position (GRCh38, 1-based): chr1:211,103,594, T>C on the plus strand (A>G on the coding strand, the complement: KCNH1 is on the minus strand). VCF-style: chr1-211103594-T-C. GRCh37 (hg19) VCF-style: chr1-211276936-T-C.
Other names: c.212A>G, p.Tyr71Cys (NM_002238.4); short protein forms Y71C.
Identifiers: ClinVar variation 3032449 (VCV003032449.2), dbSNP rs745509800, ClinGen allele CA1380073.